The following is an entry in ClinVar:

NM_015627.3(LDLRAP1):c.58C>T (p.Gln20Ter)

Genes: LDLRAP1 (low density lipoprotein receptor adaptor protein 1; plus strand), LOC129929773 (ATAC-STARR-seq lymphoblastoid silent region 456; plus strand). Cytogenetic location: 1p36.11.
Variant type: single nucleotide variant.
Coding change: c.58C>T on transcript NM_015627.3 (MANE Select); coding-DNA position 58, C replaced by T.
Protein change: p.Gln20Ter; replaces glutamine 20 with a stop codon.
Molecular consequence: nonsense.
Genome position (GRCh38, 1-based): chr1:25,543,756, C>T. VCF-style: chr1-25543756-C-T. GRCh37 (hg19) VCF-style: chr1-25870247-C-T.
Other names: short protein forms Q20*.
Identifiers: ClinVar variation 2850621 (VCV002850621.3), dbSNP rs2523873396, ClinGen allele CA339076656.
Genomic context (GRCh38, chr1:25,543,756, plus strand): 5'-GCCATGGACGCGCTCAAGTCGGCGGGGCGGGCGCTGATCCGGAGCCCCAGCTTGGCCAAG[C>T]AGAGCTGGGGGGGCGGTGGCCGGCACCGCAGTGAGTGTGCGCGCGTCAGCCGGGCCGGGC-3'

ClinVar aggregate classification (germline): Pathogenic (1 of 4 stars; one submission).

Conditions:
Hypercholesterolemia, familial, 4 (FHCL4). Also called: HYPERCHOLESTEROLEMIA, AUTOSOMAL RECESSIVE, 1; HYPERCHOLESTEROLEMIA, AUTOSOMAL RECESSIVE, 2. Identifiers: Orphanet 391665, MedGen C1863512, MONDO:0011374, OMIM 603813.

Submission:

Labcorp Genetics (formerly Invitae), Labcorp
Classification: Pathogenic for Hypercholesterolemia, familial, 4. Last evaluated: 2023-03-29. Review status: criteria provided, single submitter. Criteria: Invitae Variant Classification Sherloc (09022015). Collection method: clinical testing. Allele origin: germline.
Comment: This sequence change creates a premature translational stop signal (p.Gln20*) in the LDLRAP1 gene. It is expected to result in an absent or disrupted protein product. Loss-of-function variants in LDLRAP1 are known to be pathogenic (PMID: 11326085, 12464675). This variant is not present in population databases (gnomAD no frequency). For these reasons, this variant has been classified as Pathogenic. Algorithms developed to predict the effect of sequence changes on RNA splicing suggest that this variant may disrupt the consensus splice site. This variant has not been reported in the literature in individuals affected with LDLRAP1-related conditions.

Literature cited by the submitters: PubMed 11326085; PubMed 12464675.